The following is an entry in ClinVar:

ClinVar aggregate classification (germline): Likely pathogenic (1 of 4 stars; one submission).

Conditions:
Inborn genetic diseases. Identifiers: MedGen C0950123, MeSH D030342.

Submission:

Ambry Genetics
Classification: Likely pathogenic for Inborn genetic diseases. Last evaluated: 2020-11-23. Review status: criteria provided, single submitter. Criteria: Ambry Variant Classification Scheme 2023. Collection method: clinical testing. Allele origin: germline.
Comment: The c.1376G>A (p.G459E) alteration is located in exon 6 (coding exon 5) of the GRIN2B gene. This alteration results from a G to A substitution at nucleotide position 1376, causing the glycine (G) at amino acid position 459 to be replaced by a glutamic acid (E). Based on data from the Genome Aggregation Database (gnomAD), the GRIN2B c.1376G>A alteration was not observed, with coverage at this position. The p.G459 amino acid is conserved in available vertebrate species. This missense alteration is located in a region that has a low rate of benign missense variation (Lek, 2016; Firth, 2009). The p.G459E alteration is predicted to be deleterious by in silico analysis. Based on the available evidence, this alteration is classified as likely pathogenic.

NM_000834.5(GRIN2B):c.1376G>A (p.Gly459Glu)

Gene: GRIN2B (glutamate ionotropic receptor NMDA type subunit 2B; minus strand). Cytogenetic location: 12p13.1.
Variant type: single nucleotide variant.
Coding change: c.1376G>A on transcript NM_000834.5 (MANE Select); coding-DNA position 1376, G replaced by A.
Protein change: p.Gly459Glu; replaces glycine 459 with glutamic acid.
Molecular consequence: missense variant.
Genome position (GRCh38, 1-based): chr12:13,615,617, C>T on the plus strand (G>A on the coding strand, the complement: GRIN2B is on the minus strand). VCF-style: chr12-13615617-C-T. GRCh37 (hg19) VCF-style: chr12-13768551-C-T.
Other names: c.1376G>A, p.Gly459Glu (NM_001413992.1); short protein forms G459E.
Identifiers: ClinVar variation 2227706 (VCV002227706.2), dbSNP rs2497599845, ClinGen allele CA384052313.